The following is an entry in ClinVar:

NM_017514.5(PLXNA3):c.4435-5C>G

Gene: PLXNA3 (plexin A3; plus strand). Cytogenetic location: Xq28.
Variant type: single nucleotide variant.
Coding change: c.4435-5C>G on transcript NM_017514.5 (MANE Select); 5 bases into the intron before coding-DNA position 4435, C replaced by G.
Molecular consequence: intron variant.
Genome position (GRCh38, 1-based): chrX:154,469,051, C>G. VCF-style: chrX-154469051-C-G. GRCh37 (hg19) VCF-style: chrX-153697394-C-G.
Identifiers: ClinVar variation 3355209 (VCV003355209.1).

ClinVar aggregate classification (germline): Likely benign (0 of 4 stars; one submission).

Conditions:
PLXNA3-related disorder. Also called: PLXNA3-related condition.

gnomAD v4.1: 16 of 1,210,205 alleles (0.0013%); highest among the groups gnomAD compares: African/African-American, 0.0069%; no homozygotes.

Submission:

PreventionGenetics, part of Exact Sciences
Classification: Likely benign for PLXNA3-related condition. Last evaluated: 2022-06-22. Review status: no assertion criteria provided. Collection method: clinical testing. Allele origin: germline.
Comment: This variant is classified as likely benign based on ACMG/AMP sequence variant interpretation guidelines (Richards et al. 2015 PMID: 25741868, with internal and published modifications).